The following is an entry in ClinVar:

ClinVar aggregate classification (germline): Uncertain significance (1 of 4 stars; one submission).

Conditions:
HTR2C-related disorder. Also called: HTR2C-related condition.

gnomAD v4.1: 4 of 1,209,064 alleles (0.00033%); highest among the groups gnomAD compares: African/African-American, 0.0018%; no homozygotes.

Submission:

PreventionGenetics, part of Exact Sciences
Classification: Uncertain significance for HTR2C-related condition. Last evaluated: 2025-06-03. Review status: criteria provided, single submitter. Criteria: ACMG Guidelines, 2015. Collection method: clinical testing. Allele origin: germline.
Comment: The HTR2C c.1282A>G variant is predicted to result in the amino acid substitution p.Ser428Gly. To our knowledge, this variant has not been reported in the literature or in a large population database (gnomAD), indicating this variant is rare. At this time, the clinical significance of this variant is uncertain due to the absence of conclusive functional and genetic evidence.

NM_000868.4(HTR2C):c.1282A>G (p.Ser428Gly)

Genes: HTR2C (5-hydroxytryptamine receptor 2C; plus strand), LOC126863306 (MED14-independent group 3 enhancer GRCh37_chrX:114140926-114142125; plus strand). Cytogenetic location: Xq23.
Variant type: single nucleotide variant.
Coding change: c.1282A>G on transcript NM_000868.4 (MANE Select); coding-DNA position 1282, A replaced by G.
Protein change: p.Ser428Gly; replaces serine 428 with glycine.
Molecular consequence: missense variant. On other transcripts: 3 prime UTR variant (1).
Genome position (GRCh38, 1-based): chrX:114,907,320, A>G. VCF-style: chrX-114907320-A-G. GRCh37 (hg19) VCF-style: chrX-114141883-A-G.
Other names: c.1282A>G, p.Ser428Gly (NM_001256760.3); c.*440A>G (NM_001256761.3); short protein forms S428G.
Identifiers: ClinVar variation 4988561 (VCV004988561.1).
Genomic context (GRCh38, chrX:114,907,320, plus strand): 5'-GGGAGGGAGCTTAATGTTAACATTTATCGGCATACCAATGAACCGGTGATCGAGAAAGCC[A>G]GTGACAATGAGCCCGGTATAGAGATGCAAGTTGAGAATTTAGAGTTACCAGTAAATCCCT-3'
Protein context (NP_000859.2, residues 418-438): HTNEPVIEKA[Ser428Gly]DNEPGIEMQV